The following is an entry in ClinVar:

ClinVar aggregate classification (germline): Benign. Review status: criteria provided, single submitter (1 of 4 stars). 2 submissions from 2 submitters: Benign (1). 1 of the submissions does not count toward it. Last evaluated 2025-10-20.

Conditions:
SMC1A-related disorder. Also called: SMC1A-related condition.
Congenital muscular hypertrophy-cerebral syndrome (CDLS2). Also called: SMC1A-Related Cornelia de Lange Syndrome; Cornelia de Lange syndrome 2. Identifiers: Orphanet 199, MedGen C1802395, MONDO:0010370, OMIM 300590.

Allele frequency attached by ClinVar (database versions not stated): gnomAD exomes below 0.00001; TOPMed below 0.00001; gnomAD 0.00003.
gnomAD v4.1: 7 of 1,205,578 alleles (0.00058%); highest among the groups gnomAD compares: African/African-American, 0.0053%; no homozygotes.

Submissions (2):

Labcorp Genetics (formerly Invitae), Labcorp
Classification: Benign for Congenital muscular hypertrophy-cerebral syndrome. Last evaluated: 2025-10-20. Review status: criteria provided, single submitter. Criteria: Invitae Variant Classification Sherloc (09022015). Collection method: clinical testing. Allele origin: germline.

PreventionGenetics, part of Exact Sciences
Classification: Uncertain significance for SMC1A-related condition. Last evaluated: 2024-05-28. Review status: no assertion criteria provided. Collection method: clinical testing. Allele origin: germline. Not counted in ClinVar's aggregate classification.
Comment: The SMC1A c.3655G>A variant is predicted to result in the amino acid substitution p.Asp1219Asn. To our knowledge, this variant has not been reported in the literature or in a large population database, indicating this variant is rare. At this time, the clinical significance of this variant is uncertain due to the absence of conclusive functional and genetic evidence.

NM_006306.4(SMC1A):c.3655G>A (p.Asp1219Asn)

Gene: SMC1A (structural maintenance of chromosomes 1A; minus strand). Cytogenetic location: Xp11.22.
Variant type: single nucleotide variant.
Coding change: c.3655G>A on transcript NM_006306.4 (MANE Select); coding-DNA position 3655, G replaced by A.
Protein change: p.Asp1219Asn; replaces aspartic acid 1219 with asparagine.
Molecular consequence: missense variant.
Genome position (GRCh38, 1-based): chrX:53,380,150, C>T on the plus strand (G>A on the coding strand, the complement: SMC1A is on the minus strand). VCF-style: chrX-53380150-C-T. GRCh37 (hg19) VCF-style: chrX-53407071-C-T.
Other names: c.3589G>A, p.Asp1197Asn (NM_001281463.1); short protein forms D1197N, D1219N.
Identifiers: ClinVar variation 2987036 (VCV002987036.4), dbSNP rs1259383708, ClinGen allele CA413241569.